The following is an entry in ClinVar:

ClinVar aggregate classification (germline): Pathogenic (1 of 4 stars; one submission).

Conditions:
Chromosome 1p32-p31 deletion syndrome. Identifiers: Orphanet 401986, MedGen C4707828, MONDO:0013396.

Submission:

Geisinger Autism and Developmental Medicine Institute, Geisinger Health System
Classification: Pathogenic for Brain malformations with or without urinary tract defects. Last evaluated: 2018-03-01. Review status: criteria provided, single submitter. Criteria: ACMG CNV Guidelines, 2011. Collection method: provider interpretation. Allele origin: maternal. Affected: yes.

Single allele

Variant type: Deletion.
Identifiers: ClinVar variation 559456 (VCV000559456.3).